The following is an entry in ClinVar:

ClinVar aggregate classification (germline): Conflicting classifications of pathogenicity. Review status: criteria provided, conflicting classifications (1 of 4 stars). 4 submissions from 4 submitters: Uncertain significance (1); Likely benign (2). 1 of the submissions does not count toward it. Last evaluated 2026-01-27.

Conditions:
Nephronophthisis. Also called: Juvenile Nephronophthisis. Identifiers: Orphanet 655, MedGen C0687120, MONDO:0019005, HP:0000090.
NPHP4-related disorder. Also called: NPHP4-related condition; NPHP4-related disorders. Identifiers: MedGen CN239384.

Allele frequency attached by ClinVar (database versions not stated): gnomAD exomes 0.00010 and 0.00011; ExAC 0.00015; 1000 Genomes Project 30x 0.00031; ESP Exome Variant Server 0.00033; gnomAD 0.00039 and 0.00040; TOPMed 0.00043.
gnomAD v4.1: 220 of 1,589,260 alleles (0.014%); highest among the groups gnomAD compares: Middle Eastern, 0.35%; no homozygotes.

Submissions (4):

Labcorp Genetics (formerly Invitae), Labcorp
Classification: Likely benign for Nephronophthisis. Last evaluated: 2026-01-27. Review status: criteria provided, single submitter. Criteria: Invitae Variant Classification Sherloc (09022015). Collection method: clinical testing. Allele origin: germline.

Blueprint Genetics
Classification: Likely benign. Last evaluated: 2024-10-18. Review status: criteria provided, single submitter. Criteria: ACMG Guidelines, 2015. Collection method: clinical testing. Allele origin: germline.

Eurofins Ntd Llc (ga)
Classification: Uncertain significance. Last evaluated: 2017-07-10. Review status: criteria provided, single submitter. Criteria: EGL Classification Definitions 2015. Collection method: clinical testing. Allele origin: germline. Observed: 4 variant alleles, 4 heterozygotes.

PreventionGenetics, part of Exact Sciences
Classification: Likely benign for NPHP4-related condition. Last evaluated: 2019-10-15. Review status: no assertion criteria provided. Collection method: clinical testing. Allele origin: germline. Not counted in ClinVar's aggregate classification.
Comment: This variant is classified as likely benign based on ACMG/AMP sequence variant interpretation guidelines (Richards et al. 2015 PMID: 25741868, with internal and published modifications).

NM_015102.5(NPHP4):c.3837C>T (p.Phe1279=)

Gene: NPHP4 (nephrocystin 4; minus strand). Cytogenetic location: 1p36.31.
Variant type: single nucleotide variant.
Coding change: c.3837C>T on transcript NM_015102.5 (MANE Select); coding-DNA position 3837, C replaced by T.
Protein change: p.Phe1279=; no amino-acid change (phenylalanine 1279 retained).
Molecular consequence: synonymous variant. On other transcripts: non-coding transcript variant (1).
Genome position (GRCh38, 1-based): chr1:5,864,497, G>A on the plus strand (C>T on the coding strand, the complement: NPHP4 is on the minus strand). VCF-style: chr1-5864497-G-A. GRCh37 (hg19) VCF-style: chr1-5924557-G-A.
Other names: c.2298C>T, p.Phe766= (NM_001291593.2); c.2301C>T, p.Phe767= (NM_001291594.2).
Identifiers: ClinVar variation 167371 (VCV000167371.17), dbSNP rs375237454, ClinGen allele CA234408.